The following is an entry in ClinVar:

NM_001378615.1(CC2D2A):c.110del (p.Pro37fs)

Genes: CC2D2A (coiled-coil and C2 domain containing 2A; plus strand), FBXL5 (F-box and leucine rich repeat protein 5; minus strand). Cytogenetic location: 4p15.32.
Variant type: Deletion.
Coding change: c.110del on transcript NM_001378615.1 (MANE Select); coding-DNA position 110, one base deleted (C; older notation c.110delC).
Protein change: p.Pro37fs; shifts the reading frame from proline 37.
Molecular consequence: frameshift variant.
Genome position (GRCh38, 1-based): chr4:15,478,793, C deleted; the last of 2 consecutive C bases (chr4:15,478,792-15,478,793); deleting either gives the same sequence. VCF-style (leftmost placement, unchanged base first): chr4-15478791-GC-G. GRCh37 (hg19) VCF-style: chr4-15480415-GC-G.
Other names: c.110del, p.Pro37fs (NM_001080522.2, NM_001164720.3, NM_020785.2); short protein forms P37fs.
Identifiers: ClinVar variation 5015328 (VCV005015328.1).

ClinVar aggregate classification (germline): Pathogenic (1 of 4 stars; one submission).

Conditions:
Joubert syndrome and related disorders. Identifiers: Orphanet 140874, MedGen C5679612, MONDO:0015369.

Submission:

Myriad Genetics, Inc.
Classification: Pathogenic for Joubert syndrome and related disorders. Last evaluated: 2025-12-15. Review status: criteria provided, single submitter. Criteria: Myriad Autosomal Dominant, Autosomal Recessive and X-Linked Classification Criteria (2023). Collection method: clinical testing. Allele origin: unknown.
Comment: NM_001080522.2(CC2D2A):c.110delC(P37Qfs*37) is expected to be pathogenic in the context of CC2D2A-related disorders. This variant is predicted to lead to an abnormal or absent protein product due to the creation of a premature termination codon in CC2D2A, a gene where loss-of-function variants are known to be pathogenic. Please note: this variant was assessed in the context of healthy population screening.